The following is an entry in ClinVar:

ClinVar aggregate classification (germline): Uncertain significance (1 of 4 stars; one submission).

gnomAD v4.1: 2 of 1,612,184 alleles (0.00012%); highest among the groups gnomAD compares: Non-Finnish European, 0.000085%; no homozygotes.

Submission:

GeneDx
Classification: Uncertain significance. Last evaluated: 2024-12-20. Review status: criteria provided, single submitter. Criteria: GeneDx Variant Classification Process June 2021. Collection method: clinical testing. Allele origin: germline.
Comment: Not observed at significant frequency in large population cohorts (gnomAD); In silico analysis indicates that this missense variant does not alter protein structure/function; Has not been previously published as pathogenic or benign to our knowledge

NM_015557.3(CHD5):c.145A>G (p.Lys49Glu)

Gene: CHD5 (chromodomain helicase DNA binding protein 5; minus strand). Cytogenetic location: 1p36.31.
Variant type: single nucleotide variant.
Coding change: c.145A>G on transcript NM_015557.3 (MANE Select); coding-DNA position 145, A replaced by G.
Protein change: p.Lys49Glu; replaces lysine 49 with glutamic acid.
Molecular consequence: missense variant.
Genome position (GRCh38, 1-based): chr1:6,168,212, T>C on the plus strand (A>G on the coding strand, the complement: CHD5 is on the minus strand). VCF-style: chr1-6168212-T-C. GRCh37 (hg19) VCF-style: chr1-6228272-T-C.
Other names: short protein forms K49E.
Identifiers: ClinVar variation 3375647 (VCV003375647.2).